The following is an entry in ClinVar:

NM_000400.4(ERCC2):c.2249T>G (p.Leu750Arg)

Gene: ERCC2 (ERCC excision repair 2, TFIIH core complex helicase subunit; minus strand). Cytogenetic location: 19q13.32.
Variant type: single nucleotide variant.
Coding change: c.2249T>G on transcript NM_000400.4 (MANE Select); coding-DNA position 2249, T replaced by G.
Protein change: p.Leu750Arg; replaces leucine 750 with arginine.
Molecular consequence: missense variant.
Genome position (GRCh38, 1-based): chr19:45,351,663, A>C on the plus strand (T>G on the coding strand, the complement: ERCC2 is on the minus strand). VCF-style: chr19-45351663-A-C. GRCh37 (hg19) VCF-style: chr19-45854921-A-C.
Other names: short protein forms L750R.
Identifiers: ClinVar variation 2586771 (VCV002586771.2), dbSNP rs1226085679, ClinGen allele CA406360337.

ClinVar aggregate classification (germline): Uncertain significance (1 of 4 stars; one submission).

Conditions:
Inborn genetic diseases. Identifiers: MedGen C0950123, MeSH D030342.

Allele frequency attached by ClinVar (database versions not stated): gnomAD 0.00001; TOPMed below 0.00001.

Submission:

Ambry Genetics
Classification: Uncertain significance for Inborn genetic diseases. Last evaluated: 2023-06-28. Review status: criteria provided, single submitter. Criteria: Ambry Variant Classification Scheme 2023. Collection method: clinical testing. Allele origin: germline.
Comment: The p.L750R variant (also known as c.2249T>G), located in coding exon 23 of the ERCC2 gene, results from a T to G substitution at nucleotide position 2249. The leucine at codon 750 is replaced by arginine, an amino acid with dissimilar properties. This amino acid position is conserved. In addition, the in silico prediction for this alteration is inconclusive. Since supporting evidence is limited at this time, the clinical significance of this alteration remains unclear.